The following is an entry in ClinVar:

NM_152564.5(VPS13B):c.6513T>A (p.Ser2171Arg)

Gene: VPS13B (vacuolar protein sorting 13 homolog B; plus strand). Cytogenetic location: 8q22.2.
Variant type: single nucleotide variant.
Coding change: c.6513T>A on transcript NM_152564.5 (MANE Select); coding-DNA position 6513, T replaced by A.
Protein change: p.Ser2171Arg; replaces serine 2171 with arginine.
Molecular consequence: missense variant.
Genome position (GRCh38, 1-based): chr8:99,717,229, T>A. VCF-style: chr8-99717229-T-A. GRCh37 (hg19) VCF-style: chr8-100729457-T-A.
Other names: c.6588T>A, p.Ser2196Arg (NM_017890.5); short protein forms S2196R, S2171R.
Identifiers: ClinVar variation 1957394 (VCV001957394.5), dbSNP rs2130316731, ClinGen allele CA371867197.

ClinVar aggregate classification (germline): Uncertain significance (1 of 4 stars; one submission).

Conditions:
Cohen syndrome (COH1). Also called: Cutis verticis gyrata, retinitis pigmentosa, and sensorineural deafness; PEPPER SYNDROME. Identifiers: Orphanet 193, MedGen C0265223, MONDO:0008999, OMIM 216550.

Allele frequency attached by ClinVar (database versions not stated): gnomAD exomes below 0.00001.
gnomAD v4.1: 1 of 1,614,006 alleles (0.000062%); highest among the groups gnomAD compares: Non-Finnish European, 0.000085%; no homozygotes.

Submission:

Labcorp Genetics (formerly Invitae), Labcorp
Classification: Uncertain significance for Cohen syndrome. Last evaluated: 2021-12-19. Review status: criteria provided, single submitter. Criteria: Invitae Variant Classification Sherloc (09022015). Collection method: clinical testing. Allele origin: germline.
Comment: This variant has not been reported in the literature in individuals affected with VPS13B-related conditions. In summary, the available evidence is currently insufficient to determine the role of this variant in disease. Therefore, it has been classified as a Variant of Uncertain Significance. Algorithms developed to predict the effect of missense changes on protein structure and function are either unavailable or do not agree on the potential impact of this missense change (SIFT: "Not Available"; PolyPhen-2: "Benign"; Align-GVGD: "Not Available"). This variant is not present in population databases (gnomAD no frequency). This sequence change replaces serine, which is neutral and polar, with arginine, which is basic and polar, at codon 2196 of the VPS13B protein (p.Ser2196Arg).